The following is an entry in ClinVar:

ClinVar aggregate classification (germline): Uncertain significance (1 of 4 stars; one submission).

Conditions:
Ataxia-telangiectasia syndrome (AT). Also called: Ataxia-telangiectasia, complementation group D; AT, COMPLEMENTATION GROUP C; Ataxia-telangiectasia; Ataxia telangiectasia (A-T); LOUIS-BAR SYNDROME; Cerebello-oculocutaneous telangiectasia. Identifiers: Orphanet 100, MedGen C0004135, MONDO:0008840, OMIM 208900.

Submission:

Labcorp Genetics (formerly Invitae), Labcorp
Classification: Uncertain significance for Ataxia-telangiectasia syndrome. Last evaluated: 2025-04-22. Review status: criteria provided, single submitter. Criteria: Invitae Variant Classification Sherloc (09022015). Collection method: clinical testing. Allele origin: germline.
Comment: This sequence change replaces histidine, which is basic and polar, with glutamine, which is neutral and polar, at codon 399 of the ATM protein (p.His399Gln). This variant is not present in population databases (gnomAD no frequency). This variant has not been reported in the literature in individuals affected with ATM-related conditions. Invitae Evidence Modeling of protein sequence and biophysical properties (such as structural, functional, and spatial information, amino acid conservation, physicochemical variation, residue mobility, and thermodynamic stability) indicates that this missense variant is not expected to disrupt ATM protein function with a negative predictive value of 95%. In summary, the available evidence is currently insufficient to determine the role of this variant in disease. Therefore, it has been classified as a Variant of Uncertain Significance.

NM_000051.4(ATM):c.1197C>A (p.His399Gln)

Gene: ATM (ATM serine/threonine kinase; plus strand). Cytogenetic location: 11q22.3.
Variant type: single nucleotide variant.
Coding change: c.1197C>A on transcript NM_000051.4 (MANE Select); coding-DNA position 1197, C replaced by A.
Protein change: p.His399Gln; replaces histidine 399 with glutamine.
Molecular consequence: missense variant.
Genome position (GRCh38, 1-based): chr11:108,249,064, C>A. VCF-style: chr11-108249064-C-A. GRCh37 (hg19) VCF-style: chr11-108119791-C-A.
Other names: c.1197C>A, p.His399Gln (NM_001351834.2); short protein forms H399Q.
Identifiers: ClinVar variation 4747172 (VCV004747172.1).